The following is an entry in ClinVar:

ClinVar aggregate classification (germline): Likely pathogenic (1 of 4 stars; one submission).

Submission:

Labcorp Genetics (formerly Invitae), Labcorp
Classification: Likely pathogenic. Last evaluated: 2022-04-24. Review status: criteria provided, single submitter. Criteria: Invitae Variant Classification Sherloc (09022015). Collection method: clinical testing. Allele origin: germline.
Comment: In summary, the currently available evidence indicates that the variant is pathogenic, but additional data are needed to prove that conclusively. Therefore, this variant has been classified as Likely Pathogenic. Algorithms developed to predict the effect of sequence changes on RNA splicing suggest that this variant may disrupt the consensus splice site. Disruption of this splice site has been observed in individual(s) with ocular albinism (Invitae). This variant is not present in population databases (gnomAD no frequency). This sequence change affects an acceptor splice site in intron 2 of the GPR143 gene. It is expected to disrupt RNA splicing. Variants that disrupt the donor or acceptor splice site typically lead to a loss of protein function (PMID: 16199547), and loss-of-function variants in GPR143 are known to be pathogenic (PMID: 15965158, 18978956, 19390656, 21541274, 26160353, 28211458).

Literature cited by the submitters: PubMed 16199547; PubMed 15965158; PubMed 18978956; PubMed 19390656; PubMed 21541274; PubMed 26160353; PubMed 28211458.

NM_000273.3(GPR143):c.361-1G>A

Gene: GPR143 (G protein-coupled receptor 143; minus strand). Cytogenetic location: Xp22.2.
Variant type: single nucleotide variant.
Coding change: c.361-1G>A on transcript NM_000273.3 (MANE Select); the canonical splice acceptor site of the intron before coding-DNA position 361, G replaced by A.
Molecular consequence: splice acceptor variant.
Genome position (GRCh38, 1-based): chrX:9,759,427, C>T on the plus strand (G>A on the coding strand, the complement: GPR143 is on the minus strand). VCF-style: chrX-9759427-C-T. GRCh37 (hg19) VCF-style: chrX-9727467-C-T.
Identifiers: ClinVar variation 2096028 (VCV002096028.4), dbSNP rs2146699662, ClinGen allele CA411999015.
Genomic context (GRCh38, chrX:9,759,427, plus strand): 5'-ATCCACTGCATAGCAAAACAGCCACCAGAAGCAGGCACTGTACAACAGCTGGATCCACAT[C>T]TGCAATCGGGAAGAGCCTGCATCAAAATGTCTGGAAACAGGTACAAGAAGCCCAGCCCAT-3'